The following is an entry in ClinVar:

NM_032119.4(ADGRV1):c.14433G>A (p.Pro4811=)

Gene: ADGRV1 (adhesion G protein-coupled receptor V1; plus strand). Cytogenetic location: 5q14.3.
Variant type: single nucleotide variant.
Coding change: c.14433G>A on transcript NM_032119.4 (MANE Select); coding-DNA position 14433, G replaced by A.
Protein change: p.Pro4811=; no amino-acid change (proline 4811 retained).
Molecular consequence: synonymous variant. On other transcripts: non-coding transcript variant (1).
Genome position (GRCh38, 1-based): chr5:90,791,262, G>A. VCF-style: chr5-90791262-G-A. GRCh37 (hg19) VCF-style: chr5-90087079-G-A.
Identifiers: ClinVar variation 666647 (VCV000666647.11), dbSNP rs373038870, ClinGen allele CA3341728.

ClinVar aggregate classification (germline): Likely benign. Review status: criteria provided, multiple submitters, no conflicts (2 of 4 stars). 2 submissions from 2 submitters: Likely benign (2). Last evaluated 2025-12-16.

Allele frequency attached by ClinVar (database versions not stated): gnomAD exomes 0.00001 and 0.00002; ExAC 0.00004; gnomAD 0.00005 and 0.00006; TOPMed 0.00005; ESP Exome Variant Server 0.00008.
gnomAD v4.1: 20 of 1,609,490 alleles (0.0012%); highest among the groups gnomAD compares: African/African-American, 0.019%; no homozygotes.

Submissions (2):

Labcorp Genetics (formerly Invitae), Labcorp
Classification: Likely benign. Last evaluated: 2025-12-16. Review status: criteria provided, single submitter. Criteria: Invitae Variant Classification Sherloc (09022015). Collection method: clinical testing. Allele origin: germline.

Laboratory for Molecular Medicine, Mass General Brigham Personalized Medicine
Classification: Likely benign. Last evaluated: 2017-08-23. Review status: criteria provided, single submitter. Criteria: LMM Criteria. Collection method: clinical testing. Allele origin: germline. Observed: 2 variant alleles.
Comment: p.Pro4811Pro in exon 70 of GPR98: This variant is not expected to have clinical significance because it does not alter an amino acid residue and is not located within the splice consensus sequence. It has been identified in 1/7058 African c hromosomes by the Exome Aggregation Consortium (ExAC .org; dbSNP rs373038870).